The following is an entry in ClinVar:

ClinVar aggregate classification (germline): Uncertain significance. Review status: criteria provided, multiple submitters, no conflicts (2 of 4 stars). 2 submissions from 2 submitters: Uncertain significance (2). Last evaluated 2023-03-28.

Conditions:
Autosomal recessive ataxia, Beauce type. Also called: Spinocerebellar ataxia, autosomal recessive 8; ATAXIA, RECESSIVE, OF BEAUCE; SYNE1 Deficiency; SYNE1-Related Autosomal Recessive Cerebellar Ataxia. Identifiers: Orphanet 88644, MedGen C1853116, MONDO:0012549, OMIM 610743.
Emery-Dreifuss muscular dystrophy 4, autosomal dominant (EDMD4). Also called: EMERY-DREIFUSS MUSCULAR DYSTROPHY 4 WITH VARIABLE FEATURES. Identifiers: Orphanet 261, MedGen C2751807, MONDO:0013071, OMIM 612998.

Allele frequency attached by ClinVar (database versions not stated): ExAC 0.00001; gnomAD exomes 0.00002 and 0.00005; TOPMed 0.00007; gnomAD 0.00008 and 0.00009.
gnomAD v4.1: 41 of 1,613,794 alleles (0.0025%); highest among the groups gnomAD compares: Admixed American, 0.042%; no homozygotes.

Submissions (2):

Athena Diagnostics
Classification: Uncertain significance. Last evaluated: 2023-03-28. Review status: criteria provided, single submitter. Criteria: Athena Diagnostics Criteria. Collection method: clinical testing. Allele origin: unknown.
Comment: Available data are insufficient to determine the clinical significance of the variant at this time. The frequency of this variant in the general population is uninformative in assessment of its pathogenicity. Computational tools predict that this variant is not damaging.

Labcorp Genetics (formerly Invitae), Labcorp
Classification: Uncertain significance for Emery-Dreifuss muscular dystrophy 4, autosomal dominant; Autosomal recessive ataxia, Beauce type. Last evaluated: 2022-08-23. Review status: criteria provided, single submitter. Criteria: Invitae Variant Classification Sherloc (09022015). Collection method: clinical testing. Allele origin: germline.
Comment: In summary, the available evidence is currently insufficient to determine the role of this variant in disease. Therefore, it has been classified as a Variant of Uncertain Significance. Algorithms developed to predict the effect of missense changes on protein structure and function output the following: SIFT: "Tolerated"; PolyPhen-2: "Benign"; Align-GVGD: "Class C0". The glutamine amino acid residue is found in multiple mammalian species, which suggests that this missense change does not adversely affect protein function. ClinVar contains an entry for this variant (Variation ID: 640774). This variant has not been reported in the literature in individuals affected with SYNE1-related conditions. This variant is present in population databases (rs763557674, gnomAD 0.02%). This sequence change replaces arginine, which is basic and polar, with glutamine, which is neutral and polar, at codon 4579 of the SYNE1 protein (p.Arg4579Gln).

NM_182961.4(SYNE1):c.13949G>A (p.Arg4650Gln)

Gene: SYNE1 (spectrin repeat containing nuclear envelope protein 1; minus strand). Cytogenetic location: 6q25.2.
Variant type: single nucleotide variant.
Coding change: c.13949G>A on transcript NM_182961.4 (MANE Select); coding-DNA position 13949, G replaced by A.
Protein change: p.Arg4650Gln; replaces arginine 4650 with glutamine.
Molecular consequence: missense variant.
Genome position (GRCh38, 1-based): chr6:152,330,736, C>T on the plus strand (G>A on the coding strand, the complement: SYNE1 is on the minus strand). VCF-style: chr6-152330736-C-T. GRCh37 (hg19) VCF-style: chr6-152651871-C-T.
Other names: c.13736G>A, p.Arg4579Gln (NM_033071.5); c.13949G>A (NM_182961.2); short protein forms R4650Q, R4579Q.
Identifiers: ClinVar variation 640774 (VCV000640774.5), dbSNP rs763557674, ClinGen allele CA4056097.